The following is an entry in ClinVar:

ClinVar aggregate classification (germline): Uncertain significance (1 of 4 stars; one submission).

gnomAD v4.1: 2 of 1,614,054 alleles (0.00012%); highest among the groups gnomAD compares: Non-Finnish European, 0.00017%; no homozygotes.

Submission:

GeneDx
Classification: Uncertain significance. Last evaluated: 2024-12-15. Review status: criteria provided, single submitter. Criteria: GeneDx Variant Classification Process June 2021. Collection method: clinical testing. Allele origin: germline. Affected: yes.
Comment: Not observed at significant frequency in large population cohorts (gnomAD); In silico analysis indicates that this missense variant does not alter protein structure/function; Has not been previously published as pathogenic or benign to our knowledge

NM_001378120.1(MBD5):c.4533G>C (p.Glu1511Asp)

Gene: MBD5 (methyl-CpG binding domain protein 5; plus strand). Cytogenetic location: 2q23.1.
Variant type: single nucleotide variant.
Coding change: c.4533G>C on transcript NM_001378120.1 (MANE Select); coding-DNA position 4533, G replaced by C.
Protein change: p.Glu1511Asp; replaces glutamic acid 1511 with aspartic acid.
Molecular consequence: missense variant.
Genome position (GRCh38, 1-based): chr2:148,490,165, G>C. VCF-style: chr2-148490165-G-C. GRCh37 (hg19) VCF-style: chr2-149247734-G-C.
Other names: c.3834G>C, p.Glu1278Asp (NM_018328.5); short protein forms E1278D, E1511D.
Identifiers: ClinVar variation 3902910 (VCV003902910.1).